The following is an entry in ClinVar:

ClinVar aggregate classification (germline): Likely benign. Review status: criteria provided, multiple submitters, no conflicts (2 of 4 stars). 5 submissions from 5 submitters: Likely benign (5). Last evaluated 2025-12-07.

Conditions:
Hereditary cancer-predisposing syndrome. Also called: Neoplastic Syndromes, Hereditary; Hereditary Cancer Syndrome; Tumor predisposition; Hereditary neoplastic syndrome. Identifiers: Orphanet 140162, MedGen C0027672, MeSH D009386, MONDO:0015356.
Familial adenomatous polyposis 1 (FAP1). Also called: FAMILIAL ADENOMATOUS POLYPOSIS 1, ATTENUATED; POLYPOSIS, ADENOMATOUS INTESTINAL. Identifiers: MedGen C2713442, MONDO:0021056, OMIM 175100. Disease mechanism: loss of function.

Allele frequency attached by ClinVar (database versions not stated): gnomAD exomes below 0.00001; gnomAD 0.00001; TOPMed 0.00002.
gnomAD v4.1: 6 of 1,603,418 alleles (0.00037%); highest among the groups gnomAD compares: East Asian, 0.009%; no homozygotes.

Submissions (5):

Labcorp Genetics (formerly Invitae), Labcorp
Classification: Likely benign for Familial adenomatous polyposis 1. Last evaluated: 2025-12-07. Review status: criteria provided, single submitter. Criteria: Invitae Variant Classification Sherloc (09022015). Collection method: clinical testing. Allele origin: germline.

Myriad Genetics, Inc.
Classification: Likely benign for Familial adenomatous polyposis 1. Last evaluated: 2024-03-07. Review status: criteria provided, single submitter. Criteria: Myriad Autosomal Dominant, Autosomal Recessive and X-Linked Classification Criteria (2023). Collection method: clinical testing. Allele origin: unknown.
Comment: This variant is considered likely benign. This variant is intronic and is not expected to impact mRNA splicing.

Quest Diagnostics Nichols Institute San Juan Capistrano
Classification: Likely benign. Last evaluated: 2019-02-14. Review status: criteria provided, single submitter. Criteria: Quest Diagnostics criteria. Collection method: clinical testing. Allele origin: germline.

Color Diagnostics, LLC DBA Color Health
Classification: Likely benign for Hereditary cancer-predisposing syndrome. Last evaluated: 2017-08-23. Review status: criteria provided, single submitter. Criteria: ACMG Guidelines, 2015. Collection method: clinical testing. Allele origin: germline.

GeneDx
Classification: Likely benign. Last evaluated: 2016-11-30. Review status: criteria provided, single submitter. Criteria: GeneDx Variant Classification (06012015). Collection method: clinical testing. Allele origin: germline. Affected: yes.
Comment: This variant is considered likely benign or benign based on one or more of the following criteria: it is a conservative change, it occurs at a poorly conserved position in the protein, it is predicted to be benign by multiple in silico algorithms, and/or has population frequency not consistent with disease.

NM_000038.6(APC):c.1958+7A>G

Gene: APC (APC regulator of Wnt signaling pathway; plus strand). Cytogenetic location: 5q22.2.
Variant type: single nucleotide variant.
Coding change: c.1958+7A>G on transcript NM_000038.6 (MANE Select); 7 bases into the intron after coding-DNA position 1958, A replaced by G.
Molecular consequence: intron variant.
Genome position (GRCh38, 1-based): chr5:112,835,172, A>G. VCF-style: chr5-112835172-A-G. GRCh37 (hg19) VCF-style: chr5-112170869-A-G.
Other names: c.1958+7A>G (NM_001354895.2, NM_001127510.3); c.1988+7A>G (NM_001354897.2); c.1685+7A>G (NM_001354902.2); c.1904+7A>G (NM_001127511.3); c.1883+7A>G (NM_001354898.2); c.1580+7A>G (NM_001354904.2); c.1109+7A>G (NM_001354906.2); c.2012+7A>G (NM_001354896.2); and 5 more.
Identifiers: ClinVar variation 391472 (VCV000391472.18), dbSNP rs1057524097, ClinGen allele CA16604656.